The following is an entry in ClinVar:

NM_001931.5(DLAT):c.1144G>A (p.Gly382Ser)

Gene: DLAT (dihydrolipoamide S-acetyltransferase; plus strand). Cytogenetic location: 11q23.1.
Variant type: single nucleotide variant.
Coding change: c.1144G>A on transcript NM_001931.5 (MANE Select); coding-DNA position 1144, G replaced by A.
Protein change: p.Gly382Ser; replaces glycine 382 with serine.
Molecular consequence: missense variant. On other transcripts: non-coding transcript variant (1).
Genome position (GRCh38, 1-based): chr11:112,043,480, G>A. VCF-style: chr11-112043480-G-A. GRCh37 (hg19) VCF-style: chr11-111914204-G-A.
Other names: c.1144G>A, p.Gly382Ser (NM_001372031.1, NM_001372033.1, NM_001372035.1); c.1138G>A, p.Gly380Ser (NM_001372032.1); c.1111G>A, p.Gly371Ser (NM_001372034.1); c.1018G>A, p.Gly340Ser (NM_001372036.1); c.976G>A, p.Gly326Ser (NM_001372037.1); c.865G>A, p.Gly289Ser (NM_001372038.1); c.829G>A, p.Gly277Ser (NM_001372039.1, NM_001372041.1); c.763G>A, p.Gly255Ser (NM_001372040.1); and 1 more; short protein forms G228S, G255S, G277S, G289S, G326S, G340S, G371S, G380S.
Identifiers: ClinVar variation 1313933 (VCV001313933.2), dbSNP rs782264757, ClinGen allele CA6276831.

ClinVar aggregate classification (germline): Uncertain significance (1 of 4 stars; one submission).

Allele frequency attached by ClinVar (database versions not stated): gnomAD exomes below 0.00001; ExAC 0.00001.
gnomAD v4.1: 2 of 1,614,028 alleles (0.00012%); highest among the groups gnomAD compares: Non-Finnish European, 0.000085%; no homozygotes.

Submission:

GeneDx
Classification: Uncertain significance. Last evaluated: 2021-01-11. Review status: criteria provided, single submitter. Criteria: GeneDx Variant Classification Process June 2021. Collection method: clinical testing. Allele origin: germline. Affected: yes.
Comment: Not observed at a significant frequency in large population cohorts (Lek et al., 2016); In silico analysis supports that this missense variant has a deleterious effect on protein structure/function; Has not been previously published as pathogenic or benign to our knowledge